The following is an entry in ClinVar:

ClinVar aggregate classification (germline): Pathogenic. Review status: criteria provided, multiple submitters, no conflicts (2 of 4 stars). 3 submissions from 3 submitters: Pathogenic (3). Last evaluated 2026-07-29.

Conditions:
Hereditary cancer-predisposing syndrome. Also called: Hereditary neoplastic syndrome; Hereditary Cancer Syndrome; Neoplastic Syndromes, Hereditary; Tumor predisposition. Identifiers: Orphanet 140162, MedGen C0027672, MeSH D009386, MONDO:0015356.
Juvenile polyposis syndrome (JPS). Identifiers: Orphanet 2929, MedGen C0345893, MONDO:0017380, OMIM 174900.

Submissions (3):

Ambry Genetics
Classification: Pathogenic for Hereditary cancer-predisposing syndrome. Last evaluated: 2026-07-29. Review status: criteria provided, single submitter. Criteria: Ambry Variant Classification Scheme 2023. Collection method: clinical testing. Allele origin: germline.
Comment: The p.Y425* pathogenic mutation (also known as c.1275C>A), located in coding exon 9 of the BMPR1A gene, results from a C to A substitution at nucleotide position 1275. This changes the amino acid from a tyrosine to a stop codon within coding exon 9. This variant is considered to be rare based on population cohorts in the Genome Aggregation Database (gnomAD). This alteration is expected to result in loss of function by premature protein truncation or nonsense-mediated mRNA decay. This variant was reported in individuals with features consistent with BMPR1A-related juvenile polyposis syndrome (Pyatt RE et al. J Mol Diagn, 2006 Feb;8:84-8; Ambry internal data). As such, this alteration is interpreted as a disease-causing mutation.

Labcorp Genetics (formerly Invitae), Labcorp
Classification: Pathogenic for Juvenile polyposis syndrome. Last evaluated: 2025-08-09. Review status: criteria provided, single submitter. Criteria: Invitae Variant Classification Sherloc (09022015). Collection method: clinical testing. Allele origin: germline.
Comment: This sequence change creates a premature translational stop signal (p.Tyr425*) in the BMPR1A gene. It is expected to result in an absent or disrupted protein product. Loss-of-function variants in BMPR1A are known to be pathogenic (PMID: 11536076, 12417513). This variant is not present in population databases (gnomAD no frequency). This premature translational stop signal has been observed in individual(s) with BMPR1A-related conditions (PMID: 16436638). ClinVar contains an entry for this variant (Variation ID: 2584230). For these reasons, this variant has been classified as Pathogenic.

Myriad Genetics, Inc.
Classification: Pathogenic for Juvenile polyposis syndrome. Last evaluated: 2023-05-26. Review status: criteria provided, single submitter. Criteria: Myriad Autosomal Dominant, Autosomal Recessive and X-Linked Classification Criteria (2023). Collection method: clinical testing. Allele origin: unknown.
Comment: This variant is considered pathogenic. This variant creates a termination codon and is predicted to result in premature protein truncation.

Literature cited by the submitters: PubMed 16436638 (cited by Ambry Genetics and Labcorp Genetics (formerly Invitae), Labcorp); PubMed 11536076 (cited by Labcorp Genetics (formerly Invitae), Labcorp); PubMed 12417513 (cited by Labcorp Genetics (formerly Invitae), Labcorp).

NM_004329.3(BMPR1A):c.1275C>A (p.Tyr425Ter)

Gene: BMPR1A (bone morphogenetic protein receptor type 1A; plus strand). Cytogenetic location: 10q23.2.
Variant type: single nucleotide variant.
Coding change: c.1275C>A on transcript NM_004329.3 (MANE Select); coding-DNA position 1275, C replaced by A.
Protein change: p.Tyr425Ter; replaces tyrosine 425 with a stop codon.
Molecular consequence: nonsense. On other transcripts: non-coding transcript variant (3).
Genome position (GRCh38, 1-based): chr10:86,921,628, C>A. VCF-style: chr10-86921628-C-A. GRCh37 (hg19) VCF-style: chr10-88681385-C-A.
Other names: c.1275C>A, p.Tyr425Ter (NM_001406569.1, NM_001406570.1, NM_001406571.1 and 19 more transcripts); c.1323C>A, p.Tyr441Ter (NM_001406560.1); c.1350C>A, p.Tyr450Ter (NM_001406559.1); c.1269C>A, p.Tyr423Ter (NM_001406583.1); c.1191C>A, p.Tyr397Ter (NM_001406584.1, NM_001406585.1, NM_001406586.1 and 2 more transcripts); c.933C>A, p.Tyr311Ter (NM_001406589.1); short protein forms Y311*, Y397*, Y423*, Y425*, Y441*, Y450*.
Identifiers: ClinVar variation 2584230 (VCV002584230.4), dbSNP rs2133607689, ClinGen allele CA377462197.